The following is an entry in ClinVar:

NM_001267550.2(TTN):c.4153G>A (p.Ala1385Thr)

Genes: TTN (titin; minus strand), LOC101927055 (uncharacterized LOC101927055; plus strand). Cytogenetic location: 2q31.2.
Variant type: single nucleotide variant.
Coding change: c.4153G>A on transcript NM_001267550.2 (MANE Select); coding-DNA position 4153, G replaced by A.
Protein change: p.Ala1385Thr; replaces alanine 1385 with threonine.
Molecular consequence: missense variant.
Genome position (GRCh38, 1-based): chr2:178,778,929, C>T on the plus strand (G>A on the coding strand, the complement: TTN is on the minus strand). VCF-style: chr2-178778929-C-T. GRCh37 (hg19) VCF-style: chr2-179643656-C-T.
Other names: c.4015G>A, p.Ala1339Thr (NM_003319.4, NM_133432.3, NM_133437.4); c.4153G>A, p.Ala1385Thr (NM_133379.5, NM_001256850.1, NM_133378.4); short protein forms A1385T, A1339T.
Identifiers: ClinVar variation 178272 (VCV000178272.43), dbSNP rs140760859, ClinGen allele CA181990.

ClinVar aggregate classification (germline): Conflicting classifications of pathogenicity. Review status: criteria provided, conflicting classifications (1 of 4 stars). 11 submissions from 11 submitters: Uncertain significance (9); Likely benign (2). Last evaluated 2026-02-13.

Conditions:
TTN-related disorder. Also called: TTN-related disorders; TTN-related condition; TTN-related disease.
Cardiovascular phenotype. Identifiers: MedGen CN230736.
Dilated cardiomyopathy 1G (CMD1G). Identifiers: Orphanet 154, MedGen C1858763, MONDO:0011400, OMIM 604145.
Autosomal recessive limb-girdle muscular dystrophy type 2J (LGMDR10). Also called: Limb-girdle muscular dystrophy, type 2J; MUSCULAR DYSTROPHY, LIMB-GIRDLE, AUTOSOMAL RECESSIVE 10. Identifiers: Orphanet 140922, MedGen C1837342, MONDO:0012127, OMIM 608807.
Cardiomyopathy (CMYO). Also called: Cardiomyopathies. Identifiers: Orphanet 167848, MedGen C0878544, MONDO:0004994, HP:0001638. Inheritance: Various modes of inheritance.

Allele frequency attached by ClinVar (database versions not stated): gnomAD 0.00005; TOPMed 0.00006; ESP Exome Variant Server 0.00008; ExAC 0.00009.
gnomAD v4.1: 73 of 1,613,868 alleles (0.0045%); highest among the groups gnomAD compares: Non-Finnish European, 0.0058%; 1 homozygote.

Submissions (11):

PreventionGenetics, part of Exact Sciences
Classification: Uncertain significance for TTN-related condition. Last evaluated: 2026-02-13. Review status: criteria provided, single submitter. Criteria: ACMG Guidelines, 2015. Collection method: clinical testing. Allele origin: germline.
Comment: The TTN c.4153G>A variant is predicted to result in the amino acid substitution p.Ala1385Thr. To our knowledge, this variant has not been reported in the literature in individuals with TTN-related disorders. This variant is reported in 0.0087% of alleles in individuals of Latino descent in gnomAD. At this time, the clinical significance of this variant is uncertain due to the absence of conclusive functional and genetic evidence.

Women's Health and Genetics/Laboratory Corporation of America, LabCorp
Classification: Uncertain significance. Last evaluated: 2025-12-29. Review status: criteria provided, single submitter. Criteria: LabCorp Variant Classification Summary - May 2015. Collection method: clinical testing. Allele origin: germline.

Molecular Diagnostic Laboratory for Inherited Cardiovascular Disease, Montreal Heart Institute
Classification: Likely benign. Last evaluated: 2025-04-09. Review status: criteria provided, single submitter. Criteria: ACMG Guidelines, 2015. Collection method: clinical testing. Allele origin: germline. Affected: no.

CeGaT Center for Human Genetics Tuebingen
Classification: Uncertain significance. Last evaluated: 2024-12-01. Review status: criteria provided, single submitter. Criteria: CeGaT Center For Human Genetics Tuebingen Variant Classification Criteria Version 2. Collection method: clinical testing. Allele origin: germline. Affected: yes. Observed: 2 variant alleles.
Comment: TTN: PM2

Ambry Genetics
Classification: Uncertain significance for Cardiovascular phenotype. Last evaluated: 2020-08-18. Review status: criteria provided, single submitter. Criteria: Ambry Variant Classification Scheme 2023. Collection method: clinical testing. Allele origin: germline.
Comment: The p.A1339T variant (also known as c.4015G>A), located in coding exon 22 of the TTN gene, results from a G to A substitution at nucleotide position 4015. The alanine at codon 1339 is replaced by threonine, an amino acid with similar properties. This amino acid position is not well conserved in available vertebrate species. In addition, this alteration is predicted to be tolerated by in silico analysis. Since supporting evidence is limited at this time, the clinical significance of this alteration remains unclear.

CHEO Genetics Diagnostic Laboratory, Children's Hospital of Eastern Ontario
Classification: Uncertain significance for Cardiomyopathy. Last evaluated: 2020-08-04. Review status: criteria provided, single submitter. Criteria: ACMG Guidelines, 2015. Collection method: clinical testing. Allele origin: germline. Study: Canadian Open Genetics Repository.

Revvity Omics, Revvity
Classification: Uncertain significance. Last evaluated: 2019-12-26. Review status: criteria provided, single submitter. Criteria: ACMG Guidelines, 2015. Collection method: clinical testing. Allele origin: germline.

GeneDx
Classification: Likely benign. Last evaluated: 2019-06-18. Review status: criteria provided, single submitter. Criteria: GeneDx Variant Classification Process June 2021. Collection method: clinical testing. Allele origin: germline. Affected: yes.
Comment: This variant is associated with the following publications: (PMID: 23861362)

Labcorp Genetics (formerly Invitae), Labcorp
Classification: Uncertain significance for Dilated cardiomyopathy 1G; Autosomal recessive limb-girdle muscular dystrophy type 2J. Last evaluated: 2017-06-06. Review status: criteria provided, single submitter. Criteria: Invitae Variant Classification Sherloc (09022015). Collection method: clinical testing. Allele origin: germline.

Biesecker Lab/Clinical Genomics Section, National Institutes of Health
Classification: Uncertain significance. Last evaluated: 2013-06-24. Review status: criteria provided, single submitter. Criteria: Ng et al. (Circ Cardiovasc Genet. 2013). Collection method: research. Allele origin: unknown. Observed: 1 variant allele. Study: ClinSeq.
Comment: The study set was not selected for affection status in relation to any cancer. Pathogenicity categories were based on literature curation. See Pubmed ID:23861362 for details.

Medical sequencing

Laboratory for Molecular Medicine, Mass General Brigham Personalized Medicine
Classification: Uncertain significance. Last evaluated: 2013-04-02. Review status: criteria provided, single submitter. Criteria: LMM Criteria. Collection method: clinical testing. Allele origin: germline. Observed: 2 variant alleles.
Comment: This variant has been identified in 1/4406 Afri can American chromosomes by the NHLBI Exome Sequencing Project and in 1/1324 European chromosomes by the ClinSeq Project (db SNP rs140760859). Computational analyses (biochemical amino acid properties, con servation, AlignGVGD, PolyPhen2, and SIFT) do not provide strong support for or against an impact to the protein. Additional information is needed to fully asse ss the clinical significance of this variant.